The following is an entry in ClinVar:

NM_014003.4(DHX38):c.286G>A (p.Gly96Ser)

Gene: DHX38 (DEAH-box helicase 38; plus strand). Cytogenetic location: 16q22.2.
Variant type: single nucleotide variant.
Coding change: c.286G>A on transcript NM_014003.4 (MANE Select); coding-DNA position 286, G replaced by A.
Protein change: p.Gly96Ser; replaces glycine 96 with serine.
Molecular consequence: missense variant.
Genome position (GRCh38, 1-based): chr16:72,096,443, G>A. VCF-style: chr16-72096443-G-A. GRCh37 (hg19) VCF-style: chr16-72130342-G-A.
Other names: short protein forms G96S.
Identifiers: ClinVar variation 1368843 (VCV001368843.8), dbSNP rs746698158, ClinGen allele CA8159902.

ClinVar aggregate classification (germline): Uncertain significance (1 of 4 stars; one submission).

Allele frequency attached by ClinVar (database versions not stated): gnomAD exomes below 0.00001; ExAC 0.00002.
gnomAD v4.1: 3 of 1,613,664 alleles (0.00019%); highest among the groups gnomAD compares: Admixed American, 0.0017%; no homozygotes.

Submission:

Labcorp Genetics (formerly Invitae), Labcorp
Classification: Uncertain significance. Last evaluated: 2021-02-02. Review status: criteria provided, single submitter. Criteria: Invitae Variant Classification Sherloc (09022015). Collection method: clinical testing. Allele origin: germline.
Comment: Algorithms developed to predict the effect of missense changes on protein structure and function output the following: SIFT: "Tolerated"; PolyPhen-2: "Benign"; Align-GVGD: "Class C0". The serine amino acid residue is found in multiple mammalian species, suggesting that this missense change does not adversely affect protein function. These predictions have not been confirmed by published functional studies and their clinical significance is uncertain. In summary, the available evidence is currently insufficient to determine the role of this variant in disease. Therefore, it has been classified as a Variant of Uncertain Significance. This variant has not been reported in the literature in individuals with DHX38-related conditions. This variant is present in population databases (rs746698158, ExAC 0.009%). This sequence change replaces glycine with serine at codon 96 of the DHX38 protein (p.Gly96Ser). The glycine residue is moderately conserved and there is a small physicochemical difference between glycine and serine.